The following is an entry in ClinVar:

NM_007294.4(BRCA1):c.*1C>T

Gene: BRCA1 (BRCA1 DNA repair associated; minus strand). Cytogenetic location: 17q21.31.
Variant type: single nucleotide variant.
Coding change: c.*1C>T on transcript NM_007294.4 (MANE Select); 1 bases downstream of the stop codon, C replaced by T.
Molecular consequence: 3 prime UTR variant. On other transcripts: non-coding transcript variant (1).
Genome position (GRCh38, 1-based): chr17:43,045,677, G>A on the plus strand (C>T on the coding strand, the complement: BRCA1 is on the minus strand). VCF-style: chr17-43045677-G-A. GRCh37 (hg19) VCF-style: chr17-41197694-G-A.
Other names: c.*1C>T (NM_001407571.1, NM_001407581.1, NM_001407582.1 and 348 more transcripts); c.*107C>T (NM_001407854.1, NM_001407858.1, NM_001407859.1 and 14 more transcripts).
Identifiers: ClinVar variation 141903 (VCV000141903.9), dbSNP rs587782097, ClinGen allele CA001333.

ClinVar aggregate classification (germline): Likely benign. Review status: criteria provided, multiple submitters, no conflicts (2 of 4 stars). 3 submissions from 3 submitters: Likely benign (3). Last evaluated 2023-08-15.

Conditions:
Hereditary cancer-predisposing syndrome. Also called: Tumor predisposition; Hereditary neoplastic syndrome; Hereditary Cancer Syndrome; Neoplastic Syndromes, Hereditary. Identifiers: Orphanet 140162, MedGen C0027672, MeSH D009386, MONDO:0015356.
Breast-ovarian cancer, familial, susceptibility to, 1 (BROVCA1). Also called: BRCA1 Hereditary Breast and Ovarian Cancer; OVARIAN CANCER, SUSCEPTIBILITY TO. Identifiers: Orphanet 145, MedGen C2676676, MONDO:0011450, OMIM 604370. Disease mechanism: loss of function.

Submissions (3):

All of Us Research Program, National Institutes of Health
Classification: Likely benign for Breast-ovarian cancer, familial, susceptibility to, 1. Last evaluated: 2023-08-15. Review status: criteria provided, single submitter. Criteria: ACMG Guidelines, 2015. Collection method: clinical testing. Allele origin: germline. Inheritance: Autosomal dominant inheritance. Observed: 1 variant allele, 1 heterozygote.
Comment: This study involves interpretation of variants in research participants for the purpose of population health screening. Participant phenotype was not available at the time of variant classification. Additional details can be found in publication PMID: 35346344, PMCID: PMC8962531

Color Diagnostics, LLC DBA Color Health
Classification: Likely benign for Hereditary cancer-predisposing syndrome. Last evaluated: 2018-05-15. Review status: criteria provided, single submitter. Criteria: ACMG Guidelines, 2015. Collection method: clinical testing. Allele origin: germline.

Ambry Genetics
Classification: Likely benign for Hereditary cancer-predisposing syndrome. Last evaluated: 2016-04-28. Review status: criteria provided, single submitter. Criteria: Ambry Variant Classification Scheme 2023. Collection method: clinical testing. Allele origin: germline.